The following is an entry in ClinVar:

NM_139321.3(ATRN):c.3740A>G (p.Asn1247Ser)

Gene: ATRN (attractin; plus strand). Cytogenetic location: 20p13.
Variant type: single nucleotide variant.
Coding change: c.3740A>G on transcript NM_139321.3 (MANE Select); coding-DNA position 3740, A replaced by G.
Protein change: p.Asn1247Ser; replaces asparagine 1247 with serine.
Molecular consequence: missense variant.
Genome position (GRCh38, 1-based): chr20:3,604,201, A>G. VCF-style: chr20-3604201-A-G. GRCh37 (hg19) VCF-style: chr20-3584848-A-G.
Other names: c.3392A>G, p.Asn1131Ser (NM_001207047.3); c.3740A>G, p.Asn1247Ser (NM_001323332.2, NM_139322.4); short protein forms N1131S, N1247S.
Identifiers: ClinVar variation 3614265 (VCV003614265.2).

ClinVar aggregate classification (germline): Uncertain significance (1 of 4 stars; one submission).

gnomAD v4.1: 14 of 1,613,272 alleles (0.00087%); highest among the groups gnomAD compares: Non-Finnish European, 0.0011%; no homozygotes.

Submission:

Labcorp Genetics (formerly Invitae), Labcorp
Classification: Uncertain significance. Last evaluated: 2024-05-24. Review status: criteria provided, single submitter. Criteria: Invitae Variant Classification Sherloc (09022015). Collection method: clinical testing. Allele origin: germline.
Comment: This sequence change replaces asparagine, which is neutral and polar, with serine, which is neutral and polar, at codon 1247 of the ATRN protein (p.Asn1247Ser). This variant is present in population databases (no rsID available, gnomAD 0.007%). This variant has not been reported in the literature in individuals affected with ATRN-related conditions. Algorithms developed to predict the effect of missense changes on protein structure and function output the following: SIFT: "Not Available"; PolyPhen-2: "Benign"; Align-GVGD: "Not Available". The serine amino acid residue is found in multiple mammalian species, which suggests that this missense change does not adversely affect protein function. In summary, the available evidence is currently insufficient to determine the role of this variant in disease. Therefore, it has been classified as a Variant of Uncertain Significance.